The following is an entry in ClinVar:

NM_181426.2(CCDC39):c.290T>C (p.Val97Ala)

Gene: CCDC39 (coiled-coil domain 39 molecular ruler complex subunit; minus strand). Cytogenetic location: 3q26.33.
Variant type: single nucleotide variant.
Coding change: c.290T>C on transcript NM_181426.2 (MANE Select); coding-DNA position 290, T replaced by C.
Protein change: p.Val97Ala; replaces valine 97 with alanine.
Molecular consequence: missense variant.
Genome position (GRCh38, 1-based): chr3:180,661,928, A>G on the plus strand (T>C on the coding strand, the complement: CCDC39 is on the minus strand). VCF-style: chr3-180661928-A-G. GRCh37 (hg19) VCF-style: chr3-180379716-A-G.
Other names: short protein forms V97A.
Identifiers: ClinVar variation 1006541 (VCV001006541.17), dbSNP rs1711752710, ClinGen allele CA355303972.

ClinVar aggregate classification (germline): Uncertain significance (1 of 4 stars; one submission).

Conditions:
Primary ciliary dyskinesia. Also called: Ciliary dyskinesia. Identifiers: Orphanet 244, MedGen C0008780, MONDO:0016575, HP:0012265.

Submission:

Labcorp Genetics (formerly Invitae), Labcorp
Classification: Uncertain significance for Primary ciliary dyskinesia. Last evaluated: 2020-03-05. Review status: criteria provided, single submitter. Criteria: Invitae Variant Classification Sherloc (09022015). Collection method: clinical testing. Allele origin: germline.
Comment: Algorithms developed to predict the effect of missense changes on protein structure and function are either unavailable or do not agree on the potential impact of this missense change (SIFT: "Deleterious"; PolyPhen-2: "Benign"; Align-GVGD: "Class C25"). In summary, the available evidence is currently insufficient to determine the role of this variant in disease. Therefore, it has been classified as a Variant of Uncertain Significance. This variant has not been reported in the literature in individuals with CCDC39-related conditions. This variant is not present in population databases (ExAC no frequency). This sequence change replaces valine with alanine at codon 97 of the CCDC39 protein (p.Val97Ala). The valine residue is moderately conserved and there is a small physicochemical difference between valine and alanine.